The following is an entry in ClinVar:

NM_004612.4(TGFBR1):c.214A>T (p.Ile72Leu)

Gene: TGFBR1 (transforming growth factor beta receptor 1; plus strand). Cytogenetic location: 9q22.33.
Variant type: single nucleotide variant.
Coding change: c.214A>T on transcript NM_004612.4 (MANE Select); coding-DNA position 214, A replaced by T.
Protein change: p.Ile72Leu; replaces isoleucine 72 with leucine.
Molecular consequence: missense variant.
Genome position (GRCh38, 1-based): chr9:99,128,971, A>T. VCF-style: chr9-99128971-A-T. GRCh37 (hg19) VCF-style: chr9-101891253-A-T.
Other names: p.I72L:ATA>TTA; c.214A>T, p.Ile72Leu (NM_001130916.3, NM_001306210.2); short protein forms I72L.
Identifiers: ClinVar variation 178136 (VCV000178136.78), dbSNP rs111513627, ClinGen allele CA008796.

ClinVar aggregate classification (germline): Conflicting classifications of pathogenicity. Review status: criteria provided, conflicting classifications (1 of 4 stars). 12 submissions from 12 submitters: Uncertain significance (5); Likely benign (7). Last evaluated 2026-02-16.

Conditions:
TGFBR1-related disorder. Also called: TGFBR1-related condition.
Ehlers-Danlos syndrome (EDS). Identifiers: Orphanet 98249, MedGen C0013720, MONDO:0020066.
Familial thoracic aortic aneurysm and aortic dissection (TAAD). Also called: Thoracic aortic aneurysms and dissections. Identifiers: Orphanet 91387, MedGen C4707243, MONDO:0019625.

Allele frequency attached by ClinVar (database versions not stated): ExAC 0.00019; gnomAD 0.00019; gnomAD exomes 0.00020; TOPMed 0.00023; ESP Exome Variant Server 0.00031.
gnomAD v4.1: 413 of 1,613,910 alleles (0.026%); highest among the groups gnomAD compares: Non-Finnish European, 0.033%; no homozygotes.

Submissions (12):

Women's Health and Genetics/Laboratory Corporation of America, LabCorp
Classification: Likely benign. Last evaluated: 2026-02-16. Review status: criteria provided, single submitter. Criteria: LabCorp Variant Classification Summary - May 2015. Collection method: clinical testing. Allele origin: germline.
Comment: Variant summary: TGFBR1 c.214A>T (p.Ile72Leu) results in a conservative amino acid change located in the Activin types I and II receptor domain (IPR000472) of the encoded protein sequence. The variant allele was found at a frequency of 0.0002 in 250904 control chromosomes, predominantly at a frequency of 0.00036 within the Non-Finnish European subpopulation in the gnomAD database. The observed variant frequency within Non-Finnish European control individuals in the gnomAD database exceeds the estimated maximal expected allele frequency for disease-causing variants in TGFBR1. c.214A>T has been observed in individuals affected with bicuspid aortic valve and unspecified connective tissue disease (Bonachea_2014, Weerakkody_2016), as well as abdominal aortic aneurysm in which the variant did not segregate in 1 family (van de Luijtgaarden_2015). These reports do not provide unequivocal conclusions about association of the variant with Aortopathy. To our knowledge, no experimental evidence demonstrating an impact on protein function has been reported. The following publications have been ascertained in the context of this evaluation (PMID: 26017485, 25260786, 27011056). ClinVar contains an entry for this variant (Variation ID: 178136). Based on the evidence outlined above, the variant was classified as likely benign.

Labcorp Genetics (formerly Invitae), Labcorp
Classification: Likely benign for Familial thoracic aortic aneurysm and aortic dissection. Last evaluated: 2026-02-03. Review status: criteria provided, single submitter. Criteria: Invitae Variant Classification Sherloc (09022015). Collection method: clinical testing. Allele origin: germline.

Ambry Genetics
Classification: Uncertain significance for Familial thoracic aortic aneurysm and aortic dissection. Last evaluated: 2026-01-21. Review status: criteria provided, single submitter. Criteria: Ambry Variant Classification Scheme 2023. Collection method: clinical testing. Allele origin: germline.
Comment: The c.214A>T (p.I72L) alteration is located in exon 2 (coding exon 2) of the TGFBR1 gene. This alteration results from a A to T substitution at nucleotide position 214, causing the isoleucine (I) at amino acid position 72 to be replaced by a leucine (L). Based on data from gnomAD, the T allele has an overall frequency of 0.02% (56/282298) total alleles studied. The highest observed frequency was 0.034% (44/128734) of European (non-Finnish) alleles. Based on insufficient or conflicting evidence, the clinical significance of this alteration remains unclear.

CeGaT Center for Human Genetics Tuebingen
Classification: Likely benign. Last evaluated: 2025-11-01. Review status: criteria provided, single submitter. Criteria: CeGaT Center For Human Genetics Tuebingen Variant Classification Criteria Version 2. Collection method: clinical testing. Allele origin: germline. Affected: yes. Observed: 2 variant alleles.
Comment: TGFBR1: BS2

Blueprint Genetics
Classification: Likely benign. Last evaluated: 2024-07-24. Review status: criteria provided, single submitter. Criteria: ACMG Guidelines, 2015. Collection method: clinical testing. Allele origin: germline.

PreventionGenetics, part of Exact Sciences
Classification: Uncertain significance for TGFBR1-related condition. Last evaluated: 2023-04-26. Review status: criteria provided, single submitter. Criteria: ACMG Guidelines, 2015. Collection method: clinical testing. Allele origin: germline.
Comment: The TGFBR1 c.214A>T variant is predicted to result in the amino acid substitution p.Ile72Leu. This variant was reported as a variant of uncertain significance in two individuals with abdominal aortic aneurysms (van de Luijtgaarden et al. 2015. PubMed ID: 26017485) and in an individual with unspecified hereditary connective tissue disorder (Weerakkody et al. 2016. PubMed ID: 27011056). This variant resides outside of the serine-threonine kinase domain, which contains the majority of pathogenic missense variants (amino acids 206-496; Wrana et al. 1994. PubMed ID: 8047140). This variant is reported in 0.034% of alleles in individuals of European (Non-Finnish) descent in gnomAD and has conflicting interpretations of likely benign and uncertain significance in ClinVar. Although we suspect this variant is more likely to be benign, at this time, the clinical significance of this variant is uncertain due to the absence of conclusive functional and genetic evidence.

ARUP Laboratories, Molecular Genetics and Genomics, ARUP Laboratories
Classification: Uncertain significance. Last evaluated: 2023-03-14. Review status: criteria provided, single submitter. Criteria: ARUP Molecular Germline Variant Investigation Process 2024. Collection method: clinical testing. Allele origin: germline.
Comment: The TGFBR1 c.214A>T; p.Ile72Leu variant (rs111513627) is reported in the literature in several individuals affected with abdominal aortic aneurysm, bicuspid aortic valve, or a connective tissue disorder; however, its clinical significance was not demonstrated in these individuals (Bonachea 2014, van de Luijtgaarden 2015, Weerakkody 2016). In one family affected with aortic aneurysm, the p.Ile72Leu variant did not segregate with disease (van de Luijtgaarden 2015). This variant is found in the non-Finnish European population with an overall allele frequency of 0.03% (44/128734 alleles) in the Genome Aggregation Database. The isoleucine at codon 72 is highly conserved, but computational analyses are uncertain whether this variant is neutral or deleterious (REVEL: 0.351). Due to limited information, the clinical significance of the p.Ile72Leu variant is uncertain at this time. References: Bonachea EM et al. Use of a targeted, combinatorial next-generation sequencing approach for the study of bicuspid aortic valve. BMC Med Genomics. 2014 Sep 26;7:56. van de Luijtgaarden KM et al. First genetic analysis of aneurysm genes in familial and sporadic abdominal aortic aneurysm. Hum Genet. 2015 Aug;134(8):881-93. Weerakkody RA et al. Targeted next-generation sequencing makes new molecular diagnoses and expands genotype-phenotype relationship in Ehlers-Danlos syndrome. Genet Med. 2016 Nov;18(11):1119-1127.

Genome Diagnostics Laboratory, The Hospital for Sick Children
Classification: Uncertain significance for Ehlers-Danlos syndrome. Last evaluated: 2022-03-16. Review status: criteria provided, single submitter. Criteria: ACMG Guidelines, 2015. Collection method: clinical testing. Allele origin: germline.

GeneDx
Classification: Likely benign. Last evaluated: 2020-12-18. Review status: criteria provided, single submitter. Criteria: GeneDx Variant Classification Process June 2021. Collection method: clinical testing. Allele origin: germline. Affected: yes.
Comment: This variant is associated with the following publications: (PMID: 26017485, 27153395)

Color Diagnostics, LLC DBA Color Health
Classification: Likely benign for Familial thoracic aortic aneurysm and aortic dissection. Last evaluated: 2019-12-01. Review status: criteria provided, single submitter. Criteria: ACMG Guidelines, 2015. Collection method: clinical testing. Allele origin: germline.

CHEO Genetics Diagnostic Laboratory, Children's Hospital of Eastern Ontario
Classification: Likely benign for Familial thoracic aortic aneurysm and aortic dissection. Last evaluated: 2019-04-05. Review status: criteria provided, single submitter. Criteria: ACMG Guidelines, 2015. Collection method: clinical testing. Allele origin: germline.

Laboratory for Molecular Medicine, Mass General Brigham Personalized Medicine
Classification: Uncertain significance. Last evaluated: 2013-06-24. Review status: criteria provided, single submitter. Criteria: LMM Criteria. Collection method: clinical testing. Allele origin: germline. Observed: 1 variant allele.
Comment: Variant classified as Uncertain Significance - Favor Benign. The Ile72Leu varian t in TGFBR1 has not been reported in individuals with clinical features of Loeys -Dietz syndrome, but has been identified in 0.1% (1/1126) of chromosomes from a clinically and racially unspecified population, and in 0.03% (3/8600) of Europea n American chromosomes by the NHLBI Exome Sequencing Project (dbSNP rs111513627). While this frequency suggests that this var iant is more likely benign, it is too low to confidently rule out a disease caus ing role. Computational analyses (biochemical amino acid properties, conservatio n, AlignGVGD, PolyPhen2, and SIFT) do not provide strong support for or against an impact to the protein. In summary, additional information is needed to fully assess the clinical significance of the Ile72Leu variant.

Literature cited by the submitters: PubMed 26017485 (cited by Women's Health and Genetics/Laboratory Corporation of America, LabCorp); PubMed 25260786 (cited by Women's Health and Genetics/Laboratory Corporation of America, LabCorp); PubMed 27011056 (cited by Women's Health and Genetics/Laboratory Corporation of America, LabCorp).